The following is an entry in ClinVar:

NM_001005242.3(PKP2):c.888C>T (p.His296=)

Gene: PKP2 (plakophilin 2; minus strand). Cytogenetic location: 12p11.21.
Variant type: single nucleotide variant.
Coding change: c.888C>T on transcript NM_001005242.3 (MANE Select); coding-DNA position 888, C replaced by T.
Protein change: p.His296=; no amino-acid change (histidine 296 retained).
Molecular consequence: synonymous variant.
Genome position (GRCh38, 1-based): chr12:32,877,992, G>A on the plus strand (C>T on the coding strand, the complement: PKP2 is on the minus strand). VCF-style: chr12-32877992-G-A. GRCh37 (hg19) VCF-style: chr12-33030926-G-A.
Other names: c.888C>T, p.His296= (NM_004572.4).
Identifiers: ClinVar variation 45087 (VCV000045087.21), dbSNP rs397517029, ClinGen allele CA012532.

ClinVar aggregate classification (germline): Likely benign. Review status: criteria provided, multiple submitters, no conflicts (2 of 4 stars). 8 submissions from 8 submitters: Likely benign (8). Last evaluated 2026-05-19.

Conditions:
PKP2-related disorder. Also called: PKP2-related condition.
Cardiovascular phenotype. Identifiers: MedGen CN230736.
Cardiomyopathy (CMYO). Also called: Cardiomyopathies. Identifiers: Orphanet 167848, MedGen C0878544, MONDO:0004994, HP:0001638. Inheritance: Various modes of inheritance.
Arrhythmogenic right ventricular cardiomyopathy (ARVD). Also called: Arrhythmogenic right ventricular dysplasia; Cardiomyopathy, ARVC; Arrhythmogenic Right Ventricular Cardiomyopathy (ARVC); Arrhythmogenic cardiomyopathy. Identifiers: Orphanet 247, MedGen C0349788, MeSH D019571, MONDO:0016587. Disease mechanism: loss of function. Inheritance: Various modes of inheritance.
Arrhythmogenic right ventricular dysplasia 9 (ARVD9). Also called: Arrhythmogenic Right Ventricular Dysplasia/Cardiomyopathy 9; ARRHYTHMOGENIC RIGHT VENTRICULAR DYSPLASIA, FAMILIAL, 9. Identifiers: MedGen C1836906, MONDO:0012180, OMIM 609040.

Allele frequency attached by ClinVar (database versions not stated): gnomAD exomes below 0.00001; gnomAD 0.00007 and 0.00008; TOPMed 0.00010.
gnomAD v4.1: 14 of 1,613,946 alleles (0.00087%); highest among the groups gnomAD compares: Admixed American, 0.02%; no homozygotes.

Submissions (8):

PreventionGenetics, part of Exact Sciences
Classification: Likely benign for PKP2-related condition. Last evaluated: 2026-05-19. Review status: criteria provided, single submitter. Criteria: ACMG Guidelines, 2015. Collection method: clinical testing. Allele origin: germline.
Comment: This variant is classified as likely benign based on ACMG/AMP sequence variant interpretation guidelines (Richards et al. 2015 PMID: 25741868, with internal and published modifications).

Labcorp Genetics (formerly Invitae), Labcorp
Classification: Likely benign for Arrhythmogenic right ventricular dysplasia 9. Last evaluated: 2026-01-14. Review status: criteria provided, single submitter. Criteria: Invitae Variant Classification Sherloc (09022015). Collection method: clinical testing. Allele origin: germline.

All of Us Research Program, National Institutes of Health
Classification: Likely benign for Arrhythmogenic right ventricular cardiomyopathy. Last evaluated: 2024-02-05. Review status: criteria provided, single submitter. Criteria: ACMG Guidelines, 2015. Collection method: clinical testing. Allele origin: germline. Inheritance: Autosomal dominant inheritance. Observed: 7 variant alleles, 7 heterozygotes.
Comment: This study involves interpretation of variants in research participants for the purpose of population health screening. Participant phenotype was not available at the time of variant classification. Additional details can be found in publication PMID: 35346344, PMCID: PMC8962531

Ambry Genetics
Classification: Likely benign for Cardiovascular phenotype. Last evaluated: 2023-03-08. Review status: criteria provided, single submitter. Criteria: Ambry Variant Classification Scheme 2023. Collection method: clinical testing. Allele origin: germline.

Women's Health and Genetics/Laboratory Corporation of America, LabCorp
Classification: Likely benign. Last evaluated: 2020-11-09. Review status: criteria provided, single submitter. Criteria: LabCorp Variant Classification Summary - May 2015. Collection method: clinical testing. Allele origin: germline.

GeneDx
Classification: Likely benign. Last evaluated: 2019-10-31. Review status: criteria provided, single submitter. Criteria: GeneDx Variant Classification Process June 2021. Collection method: clinical testing. Allele origin: germline. Affected: yes.
Comment: See Variant Classification Assertion Criteria.

Color Diagnostics, LLC DBA Color Health
Classification: Likely benign for Cardiomyopathy. Last evaluated: 2018-12-01. Review status: criteria provided, single submitter. Criteria: ACMG Guidelines, 2015. Collection method: clinical testing. Allele origin: germline.

Laboratory for Molecular Medicine, Mass General Brigham Personalized Medicine
Classification: Likely benign. Last evaluated: 2012-07-30. Review status: criteria provided, single submitter. Criteria: LMM Criteria. Collection method: clinical testing. Allele origin: germline. Observed: 1 variant allele.
Comment: His296His in exon 03 of PKP2: This variant is not expected to have clinical sign ificance because it does not alter an amino acid residue and is not located with in the splice consensus sequence. His296His in exon 03 of PKP2 (allele frequen cy= n/a)